The following is an entry in ClinVar:

NM_001378328.1(CELSR1):c.7524C>T (p.Ala2508=)

Genes: CELSR1 (cadherin EGF LAG seven-pass G-type receptor 1; minus strand), LOC121627952 (CDK7 strongly-dependent group 2 enhancer GRCh37_chr22:46772879-46774078; plus strand). Cytogenetic location: 22q13.31.
Variant type: single nucleotide variant.
Coding change: c.7524C>T on transcript NM_001378328.1 (MANE Select); coding-DNA position 7524, C replaced by T.
Protein change: p.Ala2508=; no amino-acid change (alanine 2508 retained).
Molecular consequence: synonymous variant.
Genome position (GRCh38, 1-based): chr22:46,377,121, G>A on the plus strand (C>T on the coding strand, the complement: CELSR1 is on the minus strand). VCF-style: chr22-46377121-G-A. GRCh37 (hg19) VCF-style: chr22-46773018-G-A.
Other names: c.7524C>T, p.Ala2508= (NM_014246.4); c.7524C>T (NM_014246.1).
Identifiers: ClinVar variation 2653317 (VCV002653317.25), dbSNP rs141322099, ClinGen allele CA10293336.

ClinVar aggregate classification (germline): Benign. Review status: criteria provided, single submitter (1 of 4 stars). 2 submissions from 2 submitters: Benign (1). 1 of the submissions does not count toward it. Last evaluated 2022-10-01.

Conditions:
CELSR1-related disorder. Also called: CELSR1-related condition.

Allele frequency attached by ClinVar (database versions not stated): TOPMed 0.00062; 1000 Genomes Project 30x 0.00078; ESP Exome Variant Server 0.00092; 1000 Genomes Project 0.00100; ExAC 0.00141; gnomAD 0.00062.
gnomAD v4.1: 1,107 of 1,613,702 alleles (0.069%); highest among the groups gnomAD compares: Middle Eastern, 0.96%; 15 homozygotes.

Submissions (2):

CeGaT Center for Human Genetics Tuebingen
Classification: Benign. Last evaluated: 2022-10-01. Review status: criteria provided, single submitter. Criteria: CeGaT Center For Human Genetics Tuebingen Variant Classification Criteria Version 2. Collection method: clinical testing. Allele origin: germline. Affected: yes. Observed: 2 variant alleles.
Comment: CELSR1: BS1, BS2

PreventionGenetics, part of Exact Sciences
Classification: Likely benign for CELSR1-related condition. Last evaluated: 2019-03-20. Review status: no assertion criteria provided. Collection method: clinical testing. Allele origin: germline. Not counted in ClinVar's aggregate classification.
Comment: This variant is classified as likely benign based on ACMG/AMP sequence variant interpretation guidelines (Richards et al. 2015 PMID: 25741868, with internal and published modifications).